The following is an entry in ClinVar:

NM_015335.5(MED13L):c.4103G>A (p.Arg1368Gln)

Gene: MED13L (mediator complex subunit 13L; minus strand). Cytogenetic location: 12q24.21.
Variant type: single nucleotide variant.
Coding change: c.4103G>A on transcript NM_015335.5 (MANE Select); coding-DNA position 4103, G replaced by A.
Protein change: p.Arg1368Gln; replaces arginine 1368 with glutamine.
Molecular consequence: missense variant.
Genome position (GRCh38, 1-based): chr12:115,987,120, C>T on the plus strand (G>A on the coding strand, the complement: MED13L is on the minus strand). VCF-style: chr12-115987120-C-T. GRCh37 (hg19) VCF-style: chr12-116424925-C-T.
Other names: short protein forms R1368Q.
Identifiers: ClinVar variation 4996933 (VCV004996933.1).

ClinVar aggregate classification (germline): Uncertain significance (1 of 4 stars; one submission).

Conditions:
MED13L-related disorder. Also called: MED13L-related condition.

Submission:

PreventionGenetics, part of Exact Sciences
Classification: Uncertain significance for MED13L-related condition. Last evaluated: 2025-04-03. Review status: criteria provided, single submitter. Criteria: ACMG Guidelines, 2015. Collection method: clinical testing. Allele origin: germline.
Comment: The MED13L c.4103G>A variant is predicted to result in the amino acid substitution p.Arg1368Gln. To our knowledge, this variant has not been reported in the literature or in a large population database (gnomAD), indicating this variant is rare. At this time, the clinical significance of this variant is uncertain due to the absence of conclusive functional and genetic evidence.